The following is an entry in ClinVar:

NM_001164508.2(NEB):c.23827T>C (p.Phe7943Leu)

Genes: NEB (nebulin; minus strand), RIF1 (replication timing regulatory factor 1; plus strand). Cytogenetic location: 2q23.3.
Variant type: single nucleotide variant.
Coding change: c.23827T>C on transcript NM_001164508.2 (MANE Select); coding-DNA position 23827, T replaced by C.
Protein change: p.Phe7943Leu; replaces phenylalanine 7943 with leucine.
Molecular consequence: missense variant.
Genome position (GRCh38, 1-based): chr2:151,503,357, A>G on the plus strand (T>C on the coding strand, the complement: NEB is on the minus strand). VCF-style: chr2-151503357-A-G. GRCh37 (hg19) VCF-style: chr2-152359871-A-G.
Other names: c.23827T>C, p.Phe7943Leu (NM_001164507.2); c.23932T>C, p.Phe7978Leu (NM_001271208.2); c.18724T>C, p.Phe6242Leu (NM_004543.5); short protein forms F6242L, F7978L, F7943L.
Identifiers: ClinVar variation 1950449 (VCV001950449.2), dbSNP rs2551947901, ClinGen allele CA348782093.

ClinVar aggregate classification (germline): Uncertain significance (1 of 4 stars; one submission).

Conditions:
Nemaline myopathy 2 (NEM2). Also called: Nemaline myopathy 2, autosomal recessive. Identifiers: MedGen C1850569, MONDO:0009725, OMIM 256030.

Submission:

Labcorp Genetics (formerly Invitae), Labcorp
Classification: Uncertain significance for Nemaline myopathy 2. Last evaluated: 2021-05-18. Review status: criteria provided, single submitter. Criteria: Invitae Variant Classification Sherloc (09022015). Collection method: clinical testing. Allele origin: germline.
Comment: This sequence change replaces phenylalanine with leucine at codon 7978 of the NEB protein (p.Phe7978Leu). The phenylalanine residue is moderately conserved and there is a small physicochemical difference between phenylalanine and leucine. This variant is not present in population databases (ExAC no frequency). This variant has not been reported in the literature in individuals with NEB-related conditions. Algorithms developed to predict the effect of missense changes on protein structure and function are either unavailable or do not agree on the potential impact of this missense change (SIFT: "Deleterious"; PolyPhen-2: "Not Available"; Align-GVGD: "Class C0"). In summary, the available evidence is currently insufficient to determine the role of this variant in disease. Therefore, it has been classified as a Variant of Uncertain Significance.